The following is an entry in ClinVar:

ClinVar aggregate classification (germline): Conflicting classifications of pathogenicity. Review status: criteria provided, conflicting classifications (1 of 4 stars). 6 submissions from 6 submitters: Uncertain significance (3); Likely benign (3). Last evaluated 2025-12-29.

Conditions:
Cardiovascular phenotype. Identifiers: MedGen CN230736.
Myofibrillar myopathy 4. Also called: Zaspopathy (type). Identifiers: Orphanet 98912, MedGen C4721886, MONDO:0012277, OMIM 609452.

Submissions (6):

Labcorp Genetics (formerly Invitae), Labcorp
Classification: Uncertain significance for Myofibrillar myopathy 4. Last evaluated: 2025-12-29. Review status: criteria provided, single submitter. Criteria: Invitae Variant Classification Sherloc (09022015). Collection method: clinical testing. Allele origin: germline.
Comment: The LDB3 gene has multiple clinically relevant transcripts. This variant occurs in alternate transcript NM_007078.3, and corresponds to NM_001080116.1:c.*17041_*17064del in the primary transcript. This variant, c.1320_1343del, results in the deletion of 8 amino acid(s) of the LDB3 protein (p.Ala442_Pro449del), but otherwise preserves the integrity of the reading frame. The frequency data for this variant in the population databases is considered unreliable, as metrics indicate poor data quality at this position in the gnomAD database. This variant has been observed in individual(s) with dilated cardiomyopathy (PMID: 24503780, 27532257). ClinVar contains an entry for this variant (Variation ID: 45514). Experimental studies and prediction algorithms are not available or were not evaluated, and the functional significance of this variant is currently unknown. In summary, the available evidence is currently insufficient to determine the role of this variant in disease. Therefore, it has been classified as a Variant of Uncertain Significance.

Blueprint Genetics
Classification: Likely benign. Last evaluated: 2024-09-16. Review status: criteria provided, single submitter. Criteria: ACMG Guidelines, 2015. Collection method: clinical testing. Allele origin: germline.

GeneDx
Classification: Likely benign. Last evaluated: 2021-04-05. Review status: criteria provided, single submitter. Criteria: GeneDx Variant Classification Process June 2021. Collection method: clinical testing. Allele origin: germline. Affected: yes.

Ambry Genetics
Classification: Likely benign for Cardiovascular phenotype. Last evaluated: 2018-03-08. Review status: criteria provided, single submitter. Criteria: Ambry Variant Classification Scheme 2023. Collection method: clinical testing. Allele origin: germline.

Stanford Center for Inherited Cardiovascular Disease, Stanford University
Classification: Uncertain significance. Last evaluated: 2016-06-06. Review status: criteria provided, single submitter. Criteria: ACMG Guidelines, 2015. Collection method: provider interpretation. Allele origin: germline.

Laboratory for Molecular Medicine, Mass General Brigham Personalized Medicine
Classification: Uncertain significance. Last evaluated: 2012-04-11. Review status: criteria provided, single submitter. Criteria: LMM Criteria. Collection method: clinical testing. Allele origin: germline. Observed: 1 variant allele.
Comment: The 1320_1343del variant (LDB3) has not been reported in the literature nor prev iously identified by our laboratory. This variant causes an in-frame dele tion of 8 amino acids and is within a region of repeating sequence within the LD B3 gene. This may make this region prone to deletions and duplication, but it r emains unclear whether an increased or decreased number of repeats impacts the p rotein. In summary, additional information is needed to fully assess the clinic al significance of the 1320_1343del variant.

Literature cited by the submitters: PubMed 24503780 (cited by Labcorp Genetics (formerly Invitae), Labcorp and Ambry Genetics); PubMed 27532257 (cited by Labcorp Genetics (formerly Invitae), Labcorp).

NM_007078.3(LDB3):c.1296CCCTGCCCCTGCCTACACCCCCTC[1] (p.434APAYTPSP[1])

Gene: LDB3 (LIM domain binding 3; plus strand). Cytogenetic location: 10q23.2.
Variant type: Microsatellite.
Coding change: c.1296CCCTGCCCCTGCCTACACCCCCTC[1] on transcript NM_007078.3 (MANE Select); one copy of the 24-base unit CCCTGCCCCTGCCTACACCCCCTC starting at c.1296; the reference has two copies in a row; one copy, 24 bases deleted.
Protein change: p.434APAYTPSP[1].
Molecular consequence: inframe deletion.
Genome position (GRCh38, 1-based): chr10:86,716,415-86,716,438, CCCTGCCCCTGCCTACACCCCCTC deleted; deleting any 24 consecutive bases within chr10:86,716,378-86,716,438 gives the same sequence; the position shown is the placement nearest the transcript's 3' end. VCF-style (leftmost placement, unchanged base first): chr10-86716377-CCCTACACCCCCTCCCCTGCCCCTG-C. GRCh37 (hg19) VCF-style: chr10-88476134-CCCTACACCCCCTCCCCTGCCCCTG-C.
Other names: c.1320_1343delCCCTGCCCCTGCCTACACCCCCTC (NM_007078.2); c.966CCCTGCCCCTGCCTACACCCCCTC[1], p.324APAYTPSP[1] (NM_001080114.2); c.1311CCCTGCCCCTGCCTACACCCCCTC[1], p.439APAYTPSP[1] (NM_001171610.2); c.1107CCCTGCCCCTGCCTACACCCCCTC[1], p.371APAYTPSP[1] (NM_001368064.1, NM_001368065.1); c.1155CCCTGCCCCTGCCTACACCCCCTC[1], p.387APAYTPSP[1] (NM_001368066.1).
Identifiers: ClinVar variation 45514 (VCV000045514.19), dbSNP rs397517209, ClinGen allele CA136494.